The following is an entry in ClinVar:

ClinVar aggregate classification (germline): Uncertain significance (0 of 4 stars; one submission).

Conditions:
BBS12-related disorder. Also called: BBS12-related condition.

gnomAD v4.1: 1 of 1,614,072 alleles (0.000062%); highest among the groups gnomAD compares: Non-Finnish European, 0.000085%; no homozygotes.

Submission:

PreventionGenetics, part of Exact Sciences
Classification: Uncertain significance for BBS12-related condition. Last evaluated: 2024-03-07. Review status: no assertion criteria provided. Collection method: clinical testing. Allele origin: germline.
Comment: The BBS12 c.14G>T variant is predicted to result in the amino acid substitution p.Cys5Phe. To our knowledge, this variant has not been reported in the literature or in a large population database, indicating this variant is rare. At this time, the clinical significance of this variant is uncertain due to the absence of conclusive functional and genetic evidence.

NM_152618.3(BBS12):c.14G>T (p.Cys5Phe)

Gene: BBS12 (Bardet-Biedl syndrome 12; plus strand). Cytogenetic location: 4q27.
Variant type: single nucleotide variant.
Coding change: c.14G>T on transcript NM_152618.3 (MANE Select); coding-DNA position 14, G replaced by T.
Protein change: p.Cys5Phe; replaces cysteine 5 with phenylalanine.
Molecular consequence: missense variant.
Genome position (GRCh38, 1-based): chr4:122,741,906, G>T. VCF-style: chr4-122741906-G-T. GRCh37 (hg19) VCF-style: chr4-123663061-G-T.
Other names: c.14G>T, p.Cys5Phe (NM_001178007.2); short protein forms C5F.
Identifiers: ClinVar variation 3348426 (VCV003348426.1).
Genomic context (GRCh38, chr4:122,741,906, plus strand): 5'-TACTGAATAAAGTTACAAGTTTTTATTTTGTTTGCAGATCATGATACATGGTGATGGCTT[G>T]CAGAGTCGTAAACAAAAGAAGACACATGGGACTTCAACAACTTTCATCATTCGCGGAAAC-3'
Protein context (NP_689831.2, residues 1-15): MVMA[Cys5Phe]RVVNKRRHMG